The following is an entry in ClinVar:

ClinVar aggregate classification (germline): Uncertain significance. Review status: criteria provided, multiple submitters, no conflicts (2 of 4 stars). 2 submissions from 2 submitters: Uncertain significance (2). Last evaluated 2022-08-19.

Conditions:
Inborn genetic diseases. Identifiers: MedGen C0950123, MeSH D030342.

Allele frequency attached by ClinVar (database versions not stated): ExAC 0.00004; TOPMed 0.00005; gnomAD 0.00007; ESP Exome Variant Server 0.00008.
gnomAD v4.1: 75 of 1,613,956 alleles (0.0046%); highest among the groups gnomAD compares: Admixed American, 0.018%; no homozygotes.

Submissions (2):

Labcorp Genetics (formerly Invitae), Labcorp
Classification: Uncertain significance. Last evaluated: 2022-08-19. Review status: criteria provided, single submitter. Criteria: Invitae Variant Classification Sherloc (09022015). Collection method: clinical testing. Allele origin: germline.
Comment: In summary, the available evidence is currently insufficient to determine the role of this variant in disease. Therefore, it has been classified as a Variant of Uncertain Significance. Algorithms developed to predict the effect of missense changes on protein structure and function output the following: SIFT: "Deleterious"; PolyPhen-2: "Benign"; Align-GVGD: "Class C25". The isoleucine amino acid residue is found in multiple mammalian species, which suggests that this missense change does not adversely affect protein function. This variant has not been reported in the literature in individuals affected with LRRK1-related conditions. This variant is present in population databases (rs373452117, gnomAD 0.02%). This sequence change replaces valine, which is neutral and non-polar, with isoleucine, which is neutral and non-polar, at codon 1751 of the LRRK1 protein (p.Val1751Ile).

Ambry Genetics
Classification: Uncertain significance for Inborn genetic diseases. Last evaluated: 2021-10-14. Review status: criteria provided, single submitter. Criteria: Ambry Variant Classification Scheme 2023. Collection method: clinical testing. Allele origin: germline.

NM_024652.6(LRRK1):c.5251G>A (p.Val1751Ile)

Genes: LRRK1 (leucine rich repeat kinase 1; plus strand), LRRK1-AS1 (LRRK1 antisense RNA 1; minus strand). Cytogenetic location: 15q26.3.
Variant type: single nucleotide variant.
Coding change: c.5251G>A on transcript NM_024652.6 (MANE Select); coding-DNA position 5251, G replaced by A.
Protein change: p.Val1751Ile; replaces valine 1751 with isoleucine.
Molecular consequence: missense variant.
Genome position (GRCh38, 1-based): chr15:101,065,688, G>A. VCF-style: chr15-101065688-G-A. GRCh37 (hg19) VCF-style: chr15-101605893-G-A.
Other names: c.5251G>A (NM_024652.3); short protein forms V1751I.
Identifiers: ClinVar variation 2200443 (VCV002200443.3), dbSNP rs373452117, ClinGen allele CA7762100.